The following is an entry in ClinVar:

ClinVar aggregate classification (germline): Uncertain significance (1 of 4 stars; one submission).

Submission:

Labcorp Genetics (formerly Invitae), Labcorp
Classification: Uncertain significance. Last evaluated: 2022-11-12. Review status: criteria provided, single submitter. Criteria: Invitae Variant Classification Sherloc (09022015). Collection method: clinical testing. Allele origin: germline.
Comment: This sequence change replaces aspartic acid, which is acidic and polar, with glycine, which is neutral and non-polar, at codon 113 of the FH protein (p.Asp113Gly). This variant is not present in population databases (gnomAD no frequency). This variant has not been reported in the literature in individuals affected with FH-related conditions. Advanced modeling of protein sequence and biophysical properties (such as structural, functional, and spatial information, amino acid conservation, physicochemical variation, residue mobility, and thermodynamic stability) performed at Invitae indicates that this missense variant is expected to disrupt FH protein function. In summary, the available evidence is currently insufficient to determine the role of this variant in disease. Therefore, it has been classified as a Variant of Uncertain Significance.

NM_000143.4(FH):c.338A>G (p.Asp113Gly)

Gene: FH (fumarate hydratase; minus strand). Cytogenetic location: 1q43.
Variant type: single nucleotide variant.
Coding change: c.338A>G on transcript NM_000143.4 (MANE Select); coding-DNA position 338, A replaced by G.
Protein change: p.Asp113Gly; replaces aspartic acid 113 with glycine.
Molecular consequence: missense variant.
Genome position (GRCh38, 1-based): chr1:241,513,643, T>C on the plus strand (A>G on the coding strand, the complement: FH is on the minus strand). VCF-style: chr1-241513643-T-C. GRCh37 (hg19) VCF-style: chr1-241676943-T-C.
Other names: short protein forms D113G.
Identifiers: ClinVar variation 2813806 (VCV002813806.3), dbSNP rs2527335171, ClinGen allele CA345440624.
Genomic context (GRCh38, chr1:241,513,643, plus strand): 5'-ACACACTTATCACCTCCTACCTCATCTGCTGCCTTCATTATTGCATTAGCAATCTTTGGA[T>C]CAAGACCATAATCCTGGTTTACTTCAGCGGCCGCTCGCTTCAAGATGCCAAAAGCTTTAA-3'
Protein context (NP_000134.2, residues 103-123): AAEVNQDYGL[Asp113Gly]PKIANAIMKA